The following is an entry in ClinVar:

ClinVar aggregate classification (germline): Likely pathogenic (1 of 4 stars; one submission).

Conditions:
Achromatopsia. Also called: Rod monochromatism. Identifiers: Orphanet 49382, MedGen C0152200, MONDO:0018852, HP:0011516.

Submission:

Natera, Inc.
Classification: Likely pathogenic for Achromatopsia. Last evaluated: 2024-09-19. Review status: criteria provided, single submitter. Criteria: Natera Variant Classification Schema (03/2026). Collection method: clinical testing. Allele origin: germline.
Comment: The c.1663-1G>T variant in CNGB3 is a canonical splice acceptor site variant predicted to affect pre-mRNA splicing, which may result in an abnormal transcript and altered protein product. This variant is expected to result in nonsense mediated decay, truncation, or a dysfunctional protein product. This variant is rare in the general population with a frequency below the threshold expected for the associated phenotype(s). Given the available evidence, this variant is classified as Likely Pathogenic.

NM_019098.5(CNGB3):c.1663-1G>T

Gene: CNGB3 (cyclic nucleotide gated channel subunit beta 3; minus strand). Cytogenetic location: 8q21.3.
Variant type: single nucleotide variant.
Coding change: c.1663-1G>T on transcript NM_019098.5 (MANE Select); the canonical splice acceptor site of the intron before coding-DNA position 1663, G replaced by T.
Molecular consequence: splice acceptor variant.
Genome position (GRCh38, 1-based): chr8:86,604,212, C>A on the plus strand (G>T on the coding strand, the complement: CNGB3 is on the minus strand). VCF-style: chr8-86604212-C-A. GRCh37 (hg19) VCF-style: chr8-87616440-C-A.
Identifiers: ClinVar variation 4816014 (VCV004816014.1).